The following is an entry in ClinVar:

ClinVar aggregate classification (germline): Benign (1 of 4 stars; one submission).

Conditions:
Generalized juvenile polyposis/juvenile polyposis coli. Also called: Juvenile polyposis coli. Identifiers: Orphanet 329971, MedGen C1868081, MONDO:0008276.

Allele frequency attached by ClinVar (database versions not stated): gnomAD exomes 0.00005; TOPMed 0.00006; 1000 Genomes Project 30x 0.00031; 1000 Genomes Project 0.00040.
gnomAD v4.1: 13 of 240,782 alleles (0.0054%); highest among the groups gnomAD compares: Admixed American, 0.01%; no homozygotes.

Submission:

Illumina Laboratory Services, Illumina
Classification: Benign for Juvenile polyposis syndrome. Last evaluated: 2018-01-13. Review status: criteria provided, single submitter. Criteria: ICSL Variant Classification Criteria 13 December 2019. Collection method: clinical testing. Allele origin: germline.
Comment: This variant was observed in the ICSL laboratory as part of a predisposition screen in an ostensibly healthy population. It had not been previously curated by ICSL or reported in the Human Gene Mutation Database (HGMD: prior to June 1st, 2018), and was therefore a candidate for classification through an automated scoring system. Utilizing variant allele frequency, disease prevalence and penetrance estimates, and inheritance mode, an automated score was calculated to assess if this variant is too frequent to cause the disease. Based on the score and internal cut-off values, a variant classified as benign is not then subjected to further curation. The score for this variant resulted in a classification of benign for this disease.

NM_004329.3(BMPR1A):c.*542G>T

Gene: BMPR1A (bone morphogenetic protein receptor type 1A; plus strand). Cytogenetic location: 10q23.2.
Variant type: single nucleotide variant.
Coding change: c.*542G>T on transcript NM_004329.3 (MANE Select); 542 bases downstream of the stop codon, G replaced by T.
Molecular consequence: 3 prime UTR variant.
Genome position (GRCh38, 1-based): chr10:86,924,261, G>T. VCF-style: chr10-86924261-G-T. GRCh37 (hg19) VCF-style: chr10-88684018-G-T.
Identifiers: ClinVar variation 301361 (VCV000301361.5), dbSNP rs575024211, ClinGen allele CA10636333.